The following is an entry in ClinVar:

ClinVar aggregate classification (germline): Uncertain significance. Review status: criteria provided, multiple submitters, no conflicts (2 of 4 stars). 2 submissions from 2 submitters: Uncertain significance (2). Last evaluated 2025-01-31.

Allele frequency attached by ClinVar (database versions not stated): TOPMed 0.00001; gnomAD 0.00002; ExAC 0.00003.
gnomAD v4.1: 21 of 1,575,048 alleles (0.0013%); highest among the groups gnomAD compares: East Asian, 0.021%; no homozygotes.

Submissions (2):

Ambry Genetics
Classification: Uncertain significance. Last evaluated: 2025-01-31. Review status: criteria provided, single submitter. Criteria: Ambry Variant Classification Scheme 2023. Collection method: clinical testing. Allele origin: germline.

Labcorp Genetics (formerly Invitae), Labcorp
Classification: Uncertain significance. Last evaluated: 2023-07-03. Review status: criteria provided, single submitter. Criteria: Invitae Variant Classification Sherloc (09022015). Collection method: clinical testing. Allele origin: germline.
Comment: This sequence change replaces aspartic acid, which is acidic and polar, with asparagine, which is neutral and polar, at codon 1129 of the TOP2B protein (p.Asp1129Asn). In summary, the available evidence is currently insufficient to determine the role of this variant in disease. Therefore, it has been classified as a Variant of Uncertain Significance. An algorithm developed to predict the effect of missense changes on protein structure and function (PolyPhen-2) suggests that this variant is likely to be tolerated. ClinVar contains an entry for this variant (Variation ID: 1405296). This variant has not been reported in the literature in individuals affected with TOP2B-related conditions. The frequency data for this variant in the population databases is considered unreliable, as metrics indicate poor data quality at this position in the gnomAD database.

NM_001330700.2(TOP2B):c.3400G>A (p.Asp1134Asn)

Gene: TOP2B (DNA topoisomerase II beta; minus strand). Cytogenetic location: 3p24.2.
Variant type: single nucleotide variant.
Coding change: c.3400G>A on transcript NM_001330700.2 (MANE Select); coding-DNA position 3400, G replaced by A.
Protein change: p.Asp1134Asn; replaces aspartic acid 1134 with asparagine.
Molecular consequence: missense variant.
Genome position (GRCh38, 1-based): chr3:25,615,538, C>T on the plus strand (G>A on the coding strand, the complement: TOP2B is on the minus strand). VCF-style: chr3-25615538-C-T. GRCh37 (hg19) VCF-style: chr3-25657029-C-T.
Other names: c.3385G>A (NM_001068.2); c.3385G>A, p.Asp1129Asn (NM_001068.3); short protein forms D1129N, D1134N.
Identifiers: ClinVar variation 1405296 (VCV001405296.9), dbSNP rs776890647, ClinGen allele CA2288319.
Genomic context (GRCh38, chr3:25,615,538, plus strand): 5'-GAGACCACAGAGACATATTTAAAATATAATTAAAATCTGGGCCTGAAGGAGTTCCTGAAT[C>T]GGAGGAACTATCATCATGCTGGTTTTGTGTTTCATCCTCTTCTGCTGCCTGTAAAAAATA-3'
Protein context (NP_001317629.1, residues 1124-1144): TQNQHDDSSS[Asp1134Asn]SGTPSGPDFN